The following is an entry in ClinVar:

ClinVar aggregate classification (germline): Uncertain significance (1 of 4 stars; one submission).

Conditions:
TNC-related disorder. Also called: TNC-related condition.

gnomAD v4.1: 46 of 1,614,064 alleles (0.0028%); highest among the groups gnomAD compares: Admixed American, 0.025%; no homozygotes.

Submission:

PreventionGenetics, part of Exact Sciences
Classification: Uncertain significance for TNC-related condition. Last evaluated: 2024-12-06. Review status: criteria provided, single submitter. Criteria: ACMG Guidelines, 2015. Collection method: clinical testing. Allele origin: germline.
Comment: The TNC c.1561G>A variant is predicted to result in the amino acid substitution p.Gly521Ser. To our knowledge, this variant has not been reported in the literature. This variant is reported in 0.0062% of alleles in individuals of African descent in gnomAD. At this time, the clinical significance of this variant is uncertain due to the absence of conclusive functional and genetic evidence.

NM_002160.4(TNC):c.1561G>A (p.Gly521Ser)

Gene: TNC (tenascin C; minus strand). Cytogenetic location: 9q33.1.
Variant type: single nucleotide variant.
Coding change: c.1561G>A on transcript NM_002160.4 (MANE Select); coding-DNA position 1561, G replaced by A.
Protein change: p.Gly521Ser; replaces glycine 521 with serine.
Molecular consequence: missense variant.
Genome position (GRCh38, 1-based): chr9:115,086,170, C>T on the plus strand (G>A on the coding strand, the complement: TNC is on the minus strand). VCF-style: chr9-115086170-C-T. GRCh37 (hg19) VCF-style: chr9-117848449-C-T.
Other names: c.1561G>A, p.Gly521Ser (NM_001410991.1, NM_001439065.1, NM_001439066.1 and 35 more transcripts); short protein forms G521S.
Identifiers: ClinVar variation 4980897 (VCV004980897.1).